The following is an entry in ClinVar:

NM_006306.4(SMC1A):c.2981A>G (p.Gln994Arg)

Gene: SMC1A (structural maintenance of chromosomes 1A; minus strand). Cytogenetic location: Xp11.22.
Variant type: single nucleotide variant.
Coding change: c.2981A>G on transcript NM_006306.4 (MANE Select); coding-DNA position 2981, A replaced by G.
Protein change: p.Gln994Arg; replaces glutamine 994 with arginine.
Molecular consequence: missense variant.
Genome position (GRCh38, 1-based): chrX:53,383,246, T>C on the plus strand (A>G on the coding strand, the complement: SMC1A is on the minus strand). VCF-style: chrX-53383246-T-C. GRCh37 (hg19) VCF-style: chrX-53410167-T-C.
Other names: c.2915A>G, p.Gln972Arg (NM_001281463.1); c.2981A>G (NM_006306.2); short protein forms Q972R, Q994R.
Identifiers: ClinVar variation 373969 (VCV000373969.5), dbSNP rs781817923, ClinGen allele CA10420348.
Genomic context (GRCh38, chrX:53,383,246, plus strand): 5'-TGCTGCTCATTCAGCTTCTGCTGCAGTGTGTTCATCTCTTGCTTGATCTCTTCCTCAGCC[T>C]GGGCATCCTGTAAGCCCCAGGCCCAGCAATGTCAAGAAGGGCCTGGCCCCTGTGCCAAGG-3'
Protein context (NP_006297.2, residues 984-1004): GDLCEDLKDA[Gln994Arg]AEEEIKQEMN

ClinVar aggregate classification (germline): Uncertain significance. Review status: criteria provided, multiple submitters, no conflicts (2 of 4 stars). 3 submissions from 3 submitters: Uncertain significance (3). Last evaluated 2026-02-04.

Conditions:
Developmental and epileptic encephalopathy, 85, with or without midline brain defects. Also called: EPILEPTIC ENCEPHALOPATHY, EARLY INFANTILE, 85, WITH OR WITHOUT MIDLINE BRAIN DEFECTS. Identifiers: MedGen C5393312, MONDO:0026771, OMIM 301044.
Congenital muscular hypertrophy-cerebral syndrome (CDLS2). Also called: Cornelia de Lange syndrome 2; SMC1A-Related Cornelia de Lange Syndrome. Identifiers: Orphanet 199, MedGen C1802395, MONDO:0010370, OMIM 300590.
Spastic paraplegia. Identifiers: MedGen C0037772, HP:0001258.
Polyneuropathy. Identifiers: MedGen C0152025, MONDO:0001824, HP:0001271.
Cerebellar atrophy. Identifiers: MedGen C0740279, HP:0001272.
Pectus excavatum. Also called: funnel chest. Identifiers: MedGen C2051831, MONDO:0008213, OMIM 169300, HP:0000767.
Cognitive impairment. Also called: cognitive deficit. Identifiers: MedGen C0338656, HP:0100543.
Abnormal corpus callosum morphology. Also called: Corpus callosum abnormalities; Abnormality of the corpus callosum. Identifiers: MedGen C1842581, HP:0001273.
Pes cavus. Identifiers: MedGen C0728829, HP:0001761.
Dysarthria. Identifiers: MedGen C0013362, HP:0001260.

Allele frequency attached by ClinVar (database versions not stated): ExAC below 0.00001; gnomAD exomes below 0.00001.
gnomAD v4.1: 1 of 1,171,025 alleles (0.000085%); highest among the groups gnomAD compares: Non-Finnish European, 0.00011%; no homozygotes.

Submissions (3):

GeneDx
Classification: Uncertain significance. Last evaluated: 2026-02-04. Review status: criteria provided, single submitter. Criteria: GeneDx Variant Classification Process June 2021. Collection method: clinical testing. Allele origin: germline.
Comment: Has not been previously published as pathogenic or benign to our knowledge; Not observed at significant frequency in large population cohorts (gnomAD); In silico analysis suggests that this missense variant does not alter protein structure/function; Missense variants in this gene are a common cause of disease and they are underrepresented in the general population; This variant is associated with the following publications: (PMID: 29604063, 39415678)

Fulgent Genetics
Classification: Uncertain significance for Congenital muscular hypertrophy-cerebral syndrome; Developmental and epileptic encephalopathy, 85, with or without midline brain defects. Last evaluated: 2022-02-03. Review status: criteria provided, single submitter. Criteria: ACMG Guidelines, 2015. Collection method: clinical testing. Allele origin: unknown.

Centre for Mendelian Genomics, University Medical Centre Ljubljana
Classification: Uncertain significance for Abnormal corpus callosum morphology; Cerebellar atrophy; Cognitive impairment; Dysarthria; Pectus excavatum; Pes cavus; Polyneuropathy; Spastic paraplegia. Last evaluated: 2015-06-15. Review status: criteria provided, single submitter. Criteria: ACMG Guidelines, 2015. Collection method: clinical testing. Allele origin: unknown. Affected: yes.